The following is an entry in ClinVar:

NM_006915.3(RP2):c.639del (p.Thr214fs)

Gene: RP2 (RP2 activator of ARL3 GTPase; plus strand). Cytogenetic location: Xp11.3.
Variant type: Deletion.
Coding change: c.639del on transcript NM_006915.3 (MANE Select); coding-DNA position 639, one base deleted (C; older notation c.639delC).
Protein change: p.Thr214fs; shifts the reading frame from threonine 214.
Molecular consequence: frameshift variant.
Genome position (GRCh38, 1-based): chrX:46,854,012, C deleted; the last of 2 consecutive C bases (chrX:46,854,011-46,854,012); deleting either gives the same sequence. VCF-style (leftmost placement, unchanged base first): chrX-46854010-TC-T. GRCh37 (hg19) VCF-style: chrX-46713445-TC-T.
Other names: short protein forms T214fs.
Identifiers: ClinVar variation 855241 (VCV000855241.7), dbSNP rs1924911894, ClinGen allele CA916083943.

ClinVar aggregate classification (germline): Pathogenic (1 of 4 stars; one submission).

Submission:

Labcorp Genetics (formerly Invitae), Labcorp
Classification: Pathogenic. Last evaluated: 2022-03-10. Review status: criteria provided, single submitter. Criteria: Invitae Variant Classification Sherloc (09022015). Collection method: clinical testing. Allele origin: germline.
Comment: ClinVar contains an entry for this variant (Variation ID: 855241). For these reasons, this variant has been classified as Pathogenic. This sequence change creates a premature translational stop signal (p.Thr214Glnfs*24) in the RP2 gene. It is expected to result in an absent or disrupted protein product. Loss-of-function variants in RP2 are known to be pathogenic (PMID: 11992260, 20625056). This variant is not present in population databases (gnomAD no frequency). This variant has not been reported in the literature in individuals affected with RP2-related conditions.

Literature cited by the submitters: PubMed 11992260; PubMed 20625056.